The following is an entry in ClinVar:

ClinVar aggregate classification (germline): Uncertain significance (1 of 4 stars; one submission).

Conditions:
Lethal multiple pterygium syndrome (LMPS). Identifiers: Orphanet 33108, MedGen C1854678, MONDO:0009668, OMIM 253290.

gnomAD v4.1: 4 of 1,614,052 alleles (0.00025%); highest among the groups gnomAD compares: African/African-American, 0.004%; no homozygotes.

Submission:

Labcorp Genetics (formerly Invitae), Labcorp
Classification: Uncertain significance for Lethal multiple pterygium syndrome. Last evaluated: 2025-12-16. Review status: criteria provided, single submitter. Criteria: Invitae Variant Classification Sherloc (09022015). Collection method: clinical testing. Allele origin: germline.
Comment: This sequence change replaces arginine, which is basic and polar, with glycine, which is neutral and non-polar, at codon 46 of the CHRNA1 protein (p.Arg46Gly). This variant is not present in population databases (gnomAD no frequency). This variant has not been reported in the literature in individuals affected with CHRNA1-related conditions. ClinVar contains an entry for this variant (Variation ID: 1713773). Invitae Evidence Modeling of protein sequence and biophysical properties (such as structural, functional, and spatial information, amino acid conservation, physicochemical variation, residue mobility, and thermodynamic stability) indicates that this missense variant is not expected to disrupt CHRNA1 protein function with a negative predictive value of 80%. In summary, the available evidence is currently insufficient to determine the role of this variant in disease. Therefore, it has been classified as a Variant of Uncertain Significance.

NM_000079.4(CHRNA1):c.136C>G (p.Arg46Gly)

Gene: CHRNA1 (cholinergic receptor nicotinic alpha 1 subunit; minus strand). Cytogenetic location: 2q31.1.
Variant type: single nucleotide variant.
Coding change: c.136C>G on transcript NM_000079.4 (MANE Select); coding-DNA position 136, C replaced by G.
Protein change: p.Arg46Gly; replaces arginine 46 with glycine.
Molecular consequence: missense variant.
Genome position (GRCh38, 1-based): chr2:174,759,541, G>C on the plus strand (C>G on the coding strand, the complement: CHRNA1 is on the minus strand). VCF-style: chr2-174759541-G-C. GRCh37 (hg19) VCF-style: chr2-175624269-G-C.
Other names: c.136C>G, p.Arg46Gly (NM_001039523.3); short protein forms R46G.
Identifiers: ClinVar variation 1713773 (VCV001713773.5), dbSNP rs550657234, ClinGen allele CA349344413.